The following is an entry in ClinVar:

ClinVar aggregate classification (germline): Uncertain significance (1 of 4 stars; one submission).

Submission:

Labcorp Genetics (formerly Invitae), Labcorp
Classification: Uncertain significance. Last evaluated: 2022-02-08. Review status: criteria provided, single submitter. Criteria: Invitae Variant Classification Sherloc (09022015). Collection method: clinical testing. Allele origin: germline.
Comment: This sequence change replaces alanine, which is neutral and non-polar, with proline, which is neutral and non-polar, at codon 1418 of the EYS protein (p.Ala1418Pro). This variant is not present in population databases (gnomAD no frequency). This variant has not been reported in the literature in individuals affected with EYS-related conditions. ClinVar contains an entry for this variant (Variation ID: 962833). Algorithms developed to predict the effect of missense changes on protein structure and function (SIFT, PolyPhen-2, Align-GVGD) all suggest that this variant is likely to be tolerated. In summary, the available evidence is currently insufficient to determine the role of this variant in disease. Therefore, it has been classified as a Variant of Uncertain Significance.

NM_001142800.2(EYS):c.4252G>C (p.Ala1418Pro)

Gene: EYS (EGF-like photoreceptor maintenance factor; minus strand). Cytogenetic location: 6q12.
Variant type: single nucleotide variant.
Coding change: c.4252G>C on transcript NM_001142800.2 (MANE Select); coding-DNA position 4252, G replaced by C.
Protein change: p.Ala1418Pro; replaces alanine 1418 with proline.
Molecular consequence: missense variant.
Genome position (GRCh38, 1-based): chr6:64,591,615, C>G on the plus strand (G>C on the coding strand, the complement: EYS is on the minus strand). VCF-style: chr6-64591615-C-G. GRCh37 (hg19) VCF-style: chr6-65301508-C-G.
Other names: c.4252G>C, p.Ala1418Pro (NM_001292009.2); short protein forms A1418P.
Identifiers: ClinVar variation 962833 (VCV000962833.9), dbSNP rs1766413211, ClinGen allele CA364783714.